The following is an entry in ClinVar:

ClinVar aggregate classification (germline): Benign/Likely benign. Review status: criteria provided, multiple submitters, no conflicts (2 of 4 stars). 6 submissions from 6 submitters: Benign (2); Likely benign (3). 1 of the submissions does not count toward it. Last evaluated 2026-07-01.

Conditions:
KAT6A-related disorder. Also called: KAT6A-related condition.
Autosomal dominant intellectual disability-craniofacial anomalies-cardiac defects syndrome (ARTHS). Also called: Arboleda-Tham syndrome; Mental retardation, autosomal dominant 32; KAT6A syndrome. Identifiers: Orphanet 457193, MedGen C4225396, MONDO:0014558, OMIM 616268.
Inborn genetic diseases. Identifiers: MedGen C0950123, MeSH D030342.

Allele frequency attached by ClinVar (database versions not stated): gnomAD exomes 0.00007 and 0.00027; ESP Exome Variant Server 0.00015; 1000 Genomes Project 0.00020; ExAC 0.00021; 1000 Genomes Project 30x 0.00031; gnomAD 0.00058 and 0.00059; TOPMed 0.00068.
gnomAD v4.1: 198 of 1,614,106 alleles (0.012%); highest among the groups gnomAD compares: Admixed American, 0.13%; no homozygotes.

Submissions (6):

CeGaT Center for Human Genetics Tuebingen
Classification: Likely benign. Last evaluated: 2026-07-01. Review status: criteria provided, single submitter. Criteria: CeGaT Center For Human Genetics Tuebingen Variant Classification Criteria Version 2. Collection method: clinical testing. Allele origin: germline. Affected: yes. Observed: 3 variant alleles.
Comment: KAT6A: BP4, BP7, BS1

Labcorp Genetics (formerly Invitae), Labcorp
Classification: Benign. Last evaluated: 2026-01-28. Review status: criteria provided, single submitter. Criteria: Invitae Variant Classification Sherloc (09022015). Collection method: clinical testing. Allele origin: germline.

Fulgent Genetics
Classification: Likely benign for Autosomal dominant intellectual disability-craniofacial anomalies-cardiac defects syndrome. Last evaluated: 2022-04-08. Review status: criteria provided, single submitter. Criteria: ACMG Guidelines, 2015. Collection method: clinical testing. Allele origin: unknown.

GeneDx
Classification: Benign. Last evaluated: 2019-04-11. Review status: criteria provided, single submitter. Criteria: GeneDx Variant Classification Process June 2021. Collection method: clinical testing. Allele origin: germline. Affected: yes.

Ambry Genetics
Classification: Likely benign for Inborn genetic diseases. Last evaluated: 2016-07-15. Review status: criteria provided, single submitter. Criteria: Ambry Variant Classification Scheme 2023. Collection method: clinical testing. Allele origin: germline.

PreventionGenetics, part of Exact Sciences
Classification: Likely benign for KAT6A-related condition. Last evaluated: 2022-11-29. Review status: no assertion criteria provided. Collection method: clinical testing. Allele origin: germline. Not counted in ClinVar's aggregate classification.
Comment: This variant is classified as likely benign based on ACMG/AMP sequence variant interpretation guidelines (Richards et al. 2015 PMID: 25741868, with internal and published modifications).

NM_006766.5(KAT6A):c.3561C>T (p.Cys1187=)

Gene: KAT6A (lysine acetyltransferase 6A; minus strand). Cytogenetic location: 8p11.21.
Variant type: single nucleotide variant.
Coding change: c.3561C>T on transcript NM_006766.5 (MANE Select); coding-DNA position 3561, C replaced by T.
Protein change: p.Cys1187=; no amino-acid change (cysteine 1187 retained).
Molecular consequence: synonymous variant.
Genome position (GRCh38, 1-based): chr8:41,934,659, G>A on the plus strand (C>T on the coding strand, the complement: KAT6A is on the minus strand). VCF-style: chr8-41934659-G-A. GRCh37 (hg19) VCF-style: chr8-41792177-G-A.
Other names: c.3561C>T (NM_006766.4).
Identifiers: ClinVar variation 588050 (VCV000588050.20), dbSNP rs368311389, ClinGen allele CA4729657.